The following is an entry in ClinVar:

NM_001083614.2(EARS2):c.428C>G (p.Ser143Ter)

Gene: EARS2 (glutamyl-tRNA synthetase 2, mitochondrial; minus strand). Cytogenetic location: 16p12.2.
Variant type: single nucleotide variant.
Coding change: c.428C>G on transcript NM_001083614.2 (MANE Select); coding-DNA position 428, C replaced by G.
Protein change: p.Ser143Ter; replaces serine 143 with a stop codon.
Molecular consequence: nonsense. On other transcripts: non-coding transcript variant (1).
Genome position (GRCh38, 1-based): chr16:23,544,571, G>C on the plus strand (C>G on the coding strand, the complement: EARS2 is on the minus strand). VCF-style: chr16-23544571-G-C. GRCh37 (hg19) VCF-style: chr16-23555892-G-C.
Other names: c.428C>G, p.Ser143Ter (NM_001308211.1); short protein forms S143*.
Identifiers: ClinVar variation 3339818 (VCV003339818.2).

ClinVar aggregate classification (germline): Pathogenic. Review status: criteria provided, multiple submitters, no conflicts (2 of 4 stars). 2 submissions from 2 submitters: Pathogenic (2). Last evaluated 2025-08-25.

Conditions:
Leukoencephalopathy-thalamus and brainstem anomalies-high lactate syndrome. Also called: LEUKOENCEPHALOPATHY WITH THALAMUS AND BRAINSTEM INVOLVEMENT AND HIGH LACTATE; Combined oxidative phosphorylation deficiency 12. Identifiers: Orphanet 314051, MedGen C4706421, MONDO:0013971, OMIM 614924.

gnomAD v4.1: 21 of 1,614,172 alleles (0.0013%); highest among the groups gnomAD compares: East Asian, 0.0022%; no homozygotes.

Submissions (2):

Daryl Scott Lab, Baylor College of Medicine
Classification: Pathogenic for Leukoencephalopathy-thalamus and brainstem anomalies-high lactate syndrome. Last evaluated: 2025-08-25. Review status: criteria provided, single submitter. Criteria: ACMG Guidelines, 2015. Collection method: clinical testing. Allele origin: maternal. Affected: yes. Observed: 1 compound heterozygote.
Comment: PVS1,PM2

Women's Health and Genetics/Laboratory Corporation of America, LabCorp
Classification: Pathogenic for Leukoencephalopathy-thalamus and brainstem anomalies-high lactate syndrome. Last evaluated: 2024-06-24. Review status: criteria provided, single submitter. Criteria: LabCorp Variant Classification Summary - May 2015. Collection method: clinical testing. Allele origin: germline.
Comment: Variant summary: EARS2 c.428C>G (p.Ser143X) results in a premature termination codon, predicted to cause a truncation of the encoded protein or absence of the protein due to nonsense mediated decay, which are commonly known mechanisms for disease. The variant allele was found at a frequency of 2e-05 in 248880 control chromosomes. To our knowledge, no occurrence of c.428C>G in individuals affected with Leukoencephalopathy-Thalamus And Brainstem Anomalies-High Lactate Syndrome and no experimental evidence demonstrating its impact on protein function have been reported. No submitters have cited clinical-significance assessments for this variant to ClinVar. Based on the evidence outlined above, the variant was classified as pathogenic.